The following is an entry in ClinVar:

NM_205836.3(FBXO38):c.962+3A>G

Gene: FBXO38 (F-box protein 38; plus strand). Cytogenetic location: 5q32.
Variant type: single nucleotide variant.
Coding change: c.962+3A>G on transcript NM_205836.3 (MANE Select); 3 bases into the intron after coding-DNA position 962, A replaced by G.
Molecular consequence: intron variant.
Genome position (GRCh38, 1-based): chr5:148,409,220, A>G. VCF-style: chr5-148409220-A-G. GRCh37 (hg19) VCF-style: chr5-147788783-A-G.
Other names: c.962+3A>G (NM_030793.5, NM_001271723.2).
Identifiers: ClinVar variation 541020 (VCV000541020.7), dbSNP rs779258103, ClinGen allele CA3497154.
Genomic context (GRCh38, chr5:148,409,220, plus strand): 5'-CTTGCAAAAATGCTCTTGAAGTAGATCTTGGTTACCTCATCATTACTGCTGCCCGTAGGT[A>G]TGTTTCCTCTTTGTATTGTGTCTCTCACTTTAGAAGTAATTATGTTTTTCCCTATTTTAC-3'

ClinVar aggregate classification (germline): Uncertain significance. Review status: criteria provided, multiple submitters, no conflicts (2 of 4 stars). 2 submissions from 2 submitters: Uncertain significance (2). Last evaluated 2023-11-20.

Conditions:
Distal hereditary motor neuropathy type 2. Identifiers: Orphanet 139525, MedGen C3711384, MeSH C580044, MONDO:0015352.

Allele frequency attached by ClinVar (database versions not stated): ExAC 0.00001; gnomAD 0.00001; gnomAD exomes 0.00001 and 0.00002; TOPMed 0.00002.
gnomAD v4.1: 17 of 1,570,802 alleles (0.0011%); highest among the groups gnomAD compares: Non-Finnish European, 0.0014%; no homozygotes.

Submissions (2):

Labcorp Genetics (formerly Invitae), Labcorp
Classification: Uncertain significance for Distal hereditary motor neuropathy type 2. Last evaluated: 2023-11-20. Review status: criteria provided, single submitter. Criteria: Invitae Variant Classification Sherloc (09022015). Collection method: clinical testing. Allele origin: germline.
Comment: This sequence change falls in intron 8 of the FBXO38 gene. It does not directly change the encoded amino acid sequence of the FBXO38 protein. It affects a nucleotide within the consensus splice site. This variant is present in population databases (rs779258103, gnomAD 0.004%). This variant has not been reported in the literature in individuals affected with FBXO38-related conditions. ClinVar contains an entry for this variant (Variation ID: 541020). Variants that disrupt the consensus splice site are a relatively common cause of aberrant splicing (PMID: 17576681, 9536098). Algorithms developed to predict the effect of sequence changes on RNA splicing suggest that this variant may disrupt the consensus splice site. In summary, the available evidence is currently insufficient to determine the role of this variant in disease. Therefore, it has been classified as a Variant of Uncertain Significance.

Blueprint Genetics
Classification: Uncertain significance. Last evaluated: 2022-03-28. Review status: criteria provided, single submitter. Criteria: ACMG Guidelines, 2015. Collection method: clinical testing. Allele origin: germline.

Literature cited by the submitters: PubMed 17576681 (cited by Labcorp Genetics (formerly Invitae), Labcorp); PubMed 9536098 (cited by Labcorp Genetics (formerly Invitae), Labcorp).